The following is an entry in ClinVar:

NM_001430.5(EPAS1):c.1993_1994delinsAT (p.Ala665Met)

Gene: EPAS1 (endothelial PAS domain protein 1; plus strand). Cytogenetic location: 2p21.
Variant type: Indel.
Coding change: c.1993_1994delinsAT on transcript NM_001430.5 (MANE Select); coding-DNA positions 1993 to 1994, GC replaced by AT.
Protein change: p.Ala665Met; replaces alanine 665 with methionine.
Molecular consequence: missense variant.
Genome position (GRCh38, 1-based): chr2:46,380,665-46,380,666, GC replaced by AT. VCF-style: chr2-46380665-GC-AT. GRCh37 (hg19) VCF-style: chr2-46607804-GC-AT.
Other names: short protein forms A665M.
Identifiers: ClinVar variation 4823819 (VCV004823819.4).

ClinVar aggregate classification (germline): Uncertain significance (1 of 4 stars; one submission).

Submission:

CeGaT Center for Human Genetics Tuebingen
Classification: Uncertain significance. Last evaluated: 2026-03-01. Review status: criteria provided, single submitter. Criteria: CeGaT Center For Human Genetics Tuebingen Variant Classification Criteria Version 2. Collection method: clinical testing. Allele origin: germline. Affected: yes. Observed: 1 variant allele.
Comment: EPAS1: PM2